The following is an entry in ClinVar:

NM_000238.4(KCNH2):c.598C>G (p.Leu200Val)

Gene: KCNH2 (potassium voltage-gated channel subfamily H member 2; minus strand). Cytogenetic location: 7q36.1.
Variant type: single nucleotide variant.
Coding change: c.598C>G on transcript NM_000238.4 (MANE Select); coding-DNA position 598, C replaced by G.
Protein change: p.Leu200Val; replaces leucine 200 with valine.
Molecular consequence: missense variant.
Genome position (GRCh38, 1-based): chr7:150,958,377, G>C on the plus strand (C>G on the coding strand, the complement: KCNH2 is on the minus strand). VCF-style: chr7-150958377-G-C. GRCh37 (hg19) VCF-style: chr7-150655465-G-C.
Other names: c.310C>G, p.Leu104Val (NM_001406753.1, NM_001406756.1); c.421C>G, p.Leu141Val (NM_001406755.1); c.298C>G, p.Leu100Val (NM_001406757.1); c.598C>G, p.Leu200Val (NM_172056.3); short protein forms L200V, L141V, L100V, L104V.
Identifiers: ClinVar variation 1389796 (VCV001389796.7), dbSNP rs1057523402, ClinGen allele CA369863159.

ClinVar aggregate classification (germline): Uncertain significance (1 of 4 stars; one submission).

Conditions:
Long QT syndrome (LQTS). Identifiers: MedGen C0023976, MeSH D008133, MONDO:0002442. Disease mechanism: loss of function. Inheritance: Various modes of inheritance.

Allele frequency attached by ClinVar (database versions not stated): gnomAD exomes below 0.00001.
gnomAD v4.1: 1 of 1,475,488 alleles (0.000068%); highest among the groups gnomAD compares: Non-Finnish European, 0.000089%; no homozygotes.

Submission:

Labcorp Genetics (formerly Invitae), Labcorp
Classification: Uncertain significance for Long QT syndrome. Last evaluated: 2022-06-13. Review status: criteria provided, single submitter. Criteria: Invitae Variant Classification Sherloc (09022015). Collection method: clinical testing. Allele origin: germline.
Comment: This variant has not been reported in the literature in individuals affected with KCNH2-related conditions. This variant is not present in population databases (gnomAD no frequency). This sequence change replaces leucine, which is neutral and non-polar, with valine, which is neutral and non-polar, at codon 200 of the KCNH2 protein (p.Leu200Val). Algorithms developed to predict the effect of missense changes on protein structure and function (SIFT, PolyPhen-2, Align-GVGD) all suggest that this variant is likely to be tolerated. In summary, the available evidence is currently insufficient to determine the role of this variant in disease. Therefore, it has been classified as a Variant of Uncertain Significance. Algorithms developed to predict the effect of sequence changes on RNA splicing suggest that this variant may create or strengthen a splice site.